The following is an entry in ClinVar:

ClinVar aggregate classification (germline): Pathogenic (1 of 4 stars; one submission).

Conditions:
GLUT1 deficiency syndrome 1, autosomal recessive. Identifiers: MedGen C3149117.

Submission:

Labcorp Genetics (formerly Invitae), Labcorp
Classification: Pathogenic for GLUT1 deficiency syndrome 1, autosomal recessive. Last evaluated: 2022-11-07. Review status: criteria provided, single submitter. Criteria: Invitae Variant Classification Sherloc (09022015). Collection method: clinical testing. Allele origin: germline.
Comment: For these reasons, this variant has been classified as Pathogenic. This variant disrupts a region of the SLC2A1 protein in which other variant(s) (p.Pro485Leu) have been determined to be pathogenic (PMID: 18387950, 19237265, 20129935, 30197081, 32802945). This suggests that this is a clinically significant region of the protein, and that variants that disrupt it are likely to be disease-causing. ClinVar contains an entry for this variant (Variation ID: 1438958). This frameshift has been observed in individual(s) with clinical features of SLC2A1-related disease (PMID: 25167861, 28556183). This variant is not present in population databases (gnomAD no frequency). This sequence change results in a frameshift in the SLC2A1 gene (p.Gly471Glufs*37). While this is not anticipated to result in nonsense mediated decay, it is expected to disrupt the last 22 amino acid(s) of the SLC2A1 protein and extend the protein by 14 additional amino acid residues.

Literature cited by the submitters: PubMed 18387950; PubMed 19237265; PubMed 20129935; PubMed 30197081; PubMed 32802945; PubMed 25167861; PubMed 28556183.

NM_006516.4(SLC2A1):c.1412del (p.Gly471fs)

Gene: SLC2A1 (solute carrier family 2 member 1; minus strand). Cytogenetic location: 1p34.2.
Variant type: Deletion.
Coding change: c.1412del on transcript NM_006516.4 (MANE Select); coding-DNA position 1412, one base deleted (G; older notation c.1412delG).
Protein change: p.Gly471fs; shifts the reading frame from glycine 471.
Molecular consequence: frameshift variant.
Genome position (GRCh38, 1-based): chr1:42,927,108, C deleted on the plus strand (G on the coding strand, the reverse complement: SLC2A1 is on the minus strand); the first of 6 consecutive C bases (chr1:42,927,108-42,927,113); deleting any one gives the same sequence. VCF-style (leftmost placement, unchanged base first): chr1-42927107-TC-T. GRCh37 (hg19) VCF-style: chr1-43392778-TC-T.
Other names: short protein forms G471fs.
Identifiers: ClinVar variation 1438958 (VCV001438958.8), dbSNP rs2124445408, ClinGen allele CA645524215.